The following is an entry in ClinVar:

ClinVar aggregate classification (germline): Uncertain significance (1 of 4 stars; one submission).

Conditions:
Cardiovascular phenotype. Identifiers: MedGen CN230736.

gnomAD v4.1: 3 of 1,614,088 alleles (0.00019%); highest among the groups gnomAD compares: East Asian, 0.0045%; no homozygotes.

Submission:

Ambry Genetics
Classification: Uncertain significance for Cardiovascular phenotype. Last evaluated: 2024-09-11. Review status: criteria provided, single submitter. Criteria: Ambry Variant Classification Scheme 2023. Collection method: clinical testing. Allele origin: germline.
Comment: The p.G3745A variant (also known as c.11234G>C), located in coding exon 46 of the AKAP9 gene, results from a G to C substitution at nucleotide position 11234. The glycine at codon 3745 is replaced by alanine, an amino acid with similar properties. This amino acid position is conserved. In addition, the in silico prediction for this alteration is inconclusive. Based on the available evidence, the clinical significance of this variant remains unclear.

NM_005751.5(AKAP9):c.11234G>C (p.Gly3745Ala)

Gene: AKAP9 (A-kinase anchoring protein 9; plus strand). Cytogenetic location: 7q21.2.
Variant type: single nucleotide variant.
Coding change: c.11234G>C on transcript NM_005751.5 (MANE Select); coding-DNA position 11234, G replaced by C.
Protein change: p.Gly3745Ala; replaces glycine 3745 with alanine.
Molecular consequence: missense variant.
Genome position (GRCh38, 1-based): chr7:92,102,730, G>C. VCF-style: chr7-92102730-G-C. GRCh37 (hg19) VCF-style: chr7-91732044-G-C.
Other names: c.5879G>C, p.Gly1960Ala (NM_001379277.1); c.11210G>C, p.Gly3737Ala (NM_147185.3); short protein forms G3745A, G1960A, G3737A.
Identifiers: ClinVar variation 3516568 (VCV003516568.1).